The following is an entry in ClinVar:

ClinVar aggregate classification (germline): Uncertain significance. Review status: criteria provided, multiple submitters, no conflicts (2 of 4 stars). 2 submissions from 2 submitters: Uncertain significance (2). Last evaluated 2024-08-08.

Conditions:
Sucrase-isomaltase deficiency (CSID). Also called: SI DEFICIENCY; Deficiency of isomaltase; Congenital sucrose isomaltose malabsorption; Sucrose isomaltose enzyme deficiency. Identifiers: Orphanet 35122, MedGen C1283620, MONDO:0009114, OMIM 222900.

gnomAD v4.1: 7 of 1,566,022 alleles (0.00045%); highest among the groups gnomAD compares: Admixed American, 0.0084%; no homozygotes.

Submissions (2):

Labcorp Genetics (formerly Invitae), Labcorp
Classification: Uncertain significance. Last evaluated: 2024-08-08. Review status: criteria provided, single submitter. Criteria: Invitae Variant Classification Sherloc (09022015). Collection method: clinical testing. Allele origin: germline.
Comment: This sequence change falls in intron 13 of the SI gene. It does not directly change the encoded amino acid sequence of the SI protein. It affects a nucleotide within the consensus splice site. This variant is present in population databases (rs775102535, gnomAD 0.009%). This variant has not been reported in the literature in individuals affected with SI-related conditions. Variants that disrupt the consensus splice site are a relatively common cause of aberrant splicing (PMID: 17576681, 9536098). Algorithms developed to predict the effect of sequence changes on RNA splicing suggest that this variant may disrupt the consensus splice site. In summary, the available evidence is currently insufficient to determine the role of this variant in disease. Therefore, it has been classified as a Variant of Uncertain Significance.

Fulgent Genetics
Classification: Uncertain significance for Sucrase-isomaltase deficiency. Last evaluated: 2024-05-24. Review status: criteria provided, single submitter. Criteria: ACMG Guidelines, 2015. Collection method: clinical testing. Allele origin: germline.

Literature cited by the submitters: PubMed 17576681 (cited by Labcorp Genetics (formerly Invitae), Labcorp); PubMed 9536098 (cited by Labcorp Genetics (formerly Invitae), Labcorp).

NM_001041.4(SI):c.1513-3C>A

Gene: SI (sucrase-isomaltase; minus strand). Cytogenetic location: 3q26.1.
Variant type: single nucleotide variant.
Coding change: c.1513-3C>A on transcript NM_001041.4 (MANE Select); 3 bases into the intron before coding-DNA position 1513, C replaced by A.
Molecular consequence: intron variant.
Genome position (GRCh38, 1-based): chr3:165,049,878, G>T on the plus strand (C>A on the coding strand, the complement: SI is on the minus strand). VCF-style: chr3-165049878-G-T. GRCh37 (hg19) VCF-style: chr3-164767666-G-T.
Identifiers: ClinVar variation 3588860 (VCV003588860.2).